The following is an entry in ClinVar:

ClinVar aggregate classification (germline): Likely benign. Review status: criteria provided, multiple submitters, no conflicts (2 of 4 stars). 3 submissions from 3 submitters: Likely benign (3). Last evaluated 2025-01-01.

Conditions:
Neuroblastoma, susceptibility to, 3. Also called: ALK-Related Neuroblastic Tumor Susceptibility. Identifiers: Orphanet 635, MedGen C2751681, MONDO:0013083, OMIM 613014.
Hereditary cancer-predisposing syndrome. Also called: Hereditary neoplastic syndrome; Neoplastic Syndromes, Hereditary; Tumor predisposition; Hereditary Cancer Syndrome. Identifiers: Orphanet 140162, MedGen C0027672, MeSH D009386, MONDO:0015356.

gnomAD v4.1: 5 of 1,566,904 alleles (0.00032%); highest among the groups gnomAD compares: Non-Finnish European, 0.00043%; no homozygotes.

Submissions (3):

CeGaT Center for Human Genetics Tuebingen
Classification: Likely benign. Last evaluated: 2025-01-01. Review status: criteria provided, single submitter. Criteria: CeGaT Center For Human Genetics Tuebingen Variant Classification Criteria Version 2. Collection method: clinical testing. Allele origin: germline. Affected: yes. Observed: 1 variant allele.
Comment: ALK: BP4, BP7

Labcorp Genetics (formerly Invitae), Labcorp
Classification: Likely benign for Neuroblastoma, susceptibility to, 3. Last evaluated: 2024-10-16. Review status: criteria provided, single submitter. Criteria: Invitae Variant Classification Sherloc (09022015). Collection method: clinical testing. Allele origin: germline.

Ambry Genetics
Classification: Likely benign for Hereditary cancer-predisposing syndrome. Last evaluated: 2022-10-22. Review status: criteria provided, single submitter. Criteria: Ambry Variant Classification Scheme 2023. Collection method: clinical testing. Allele origin: germline.

NM_004304.5(ALK):c.270G>T (p.Ser90=)

Gene: ALK (ALK receptor tyrosine kinase; minus strand). Cytogenetic location: 2p23.1.
Variant type: single nucleotide variant.
Coding change: c.270G>T on transcript NM_004304.5 (MANE Select); coding-DNA position 270, G replaced by T.
Protein change: p.Ser90=; no amino-acid change (serine 90 retained).
Molecular consequence: synonymous variant.
Genome position (GRCh38, 1-based): chr2:29,920,390, C>A on the plus strand (G>T on the coding strand, the complement: ALK is on the minus strand). VCF-style: chr2-29920390-C-A. GRCh37 (hg19) VCF-style: chr2-30143256-C-A.
Identifiers: ClinVar variation 1795066 (VCV001795066.17), dbSNP rs1430524359, ClinGen allele CA425626856.
Genomic context (GRCh38, chr2:29,920,390, plus strand): 5'-CCAGGAGACCCCCGGCGCCGGCCCCAGCAACCTGAGCAGCGGGGCGCAGTCCAGAGCTAG[C>A]GAGCCGCGGGCCTCGGGCCTGCCAGCCTTCAGCTCCGAGGAGGATGGTGGCAGCAGTAGG-3'
Protein context (NP_004295.2, residues 80-100): LKAGRPEARG[Ser90=]LALDCAPLLR